The following is an entry in ClinVar:

NM_022132.5(MCCC2):c.1430A>G (p.Gln477Arg)

Gene: MCCC2 (methylcrotonyl-CoA carboxylase subunit 2; plus strand). Cytogenetic location: 5q13.2.
Variant type: single nucleotide variant.
Coding change: c.1430A>G on transcript NM_022132.5 (MANE Select); coding-DNA position 1430, A replaced by G.
Protein change: p.Gln477Arg; replaces glutamine 477 with arginine.
Molecular consequence: missense variant.
Genome position (GRCh38, 1-based): chr5:71,650,125, A>G. VCF-style: chr5-71650125-A-G. GRCh37 (hg19) VCF-style: chr5-70945952-A-G.
Other names: c.1316A>G, p.Gln439Arg (NM_001363147.1); short protein forms Q439R, Q477R.
Identifiers: ClinVar variation 1521071 (VCV001521071.10), dbSNP rs769558016, ClinGen allele CA3298146.

ClinVar aggregate classification (germline): Conflicting classifications of pathogenicity. Review status: criteria provided, conflicting classifications (1 of 4 stars). 3 submissions from 3 submitters: Likely pathogenic (2); Uncertain significance (1). Last evaluated 2025-09-25.

Conditions:
Methylcrotonyl-CoA carboxylase deficiency. Also called: 3 Methylcrotonylglycinuria; Deficiency of methylcrotonoyl-CoA carboxylase; 3-MCC Deficiency. Identifiers: Orphanet 6, MedGen C4551505, MONDO:0018950.
3-methylcrotonyl-CoA carboxylase 2 deficiency. Also called: 3 alpha methylcrotonyl-CoA carboxylase 2 deficiency; 3 alpha methylcrotonylglycinuria 2; MCC 2 deficiency; Methylcrotonylglycinuria type 2; METHYLCROTONYLGLYCINURIA, TYPE II. Identifiers: Orphanet 6, MedGen C1859499, MONDO:0008862, OMIM 210210.

Allele frequency attached by ClinVar (database versions not stated): ExAC 0.00001; gnomAD 0.00001; TOPMed 0.00003.
gnomAD v4.1: 1 of 1,614,120 alleles (0.000062%); highest among the groups gnomAD compares: Non-Finnish European, 0.000085%; no homozygotes.

Submissions (3):

Myriad Genetics, Inc.
Classification: Uncertain significance for 3-methylcrotonyl-CoA carboxylase 2 deficiency. Last evaluated: 2025-09-25. Review status: criteria provided, single submitter. Criteria: Myriad Autosomal Dominant, Autosomal Recessive and X-Linked Classification Criteria (2023). Collection method: clinical testing. Allele origin: unknown.
Comment: NM_022132.4(MCCC2):c.1430A>G(Q477R) is a missense variant classified as a variant of uncertain significance in the context of 3-methylcrotonyl-CoA carboxylase deficiency, MCCC2-related. Q477R has been observed in a case with relevant disease (PMID: 21071250). Relevant functional assessments of this variant are not available in the literature. Q477R has been observed in referenced population frequency databases. In summary, there is insufficient evidence to classify NM_022132.4(MCCC2):c.1430A>G(Q477R) as pathogenic or benign. Please note: this variant was assessed in the context of healthy population screening.

Women's Health and Genetics/Laboratory Corporation of America, LabCorp
Classification: Likely pathogenic for Methylcrotonyl-CoA carboxylase deficiency. Last evaluated: 2024-09-27. Review status: criteria provided, single submitter. Criteria: LabCorp Variant Classification Summary - May 2015. Collection method: clinical testing. Allele origin: germline.
Comment: Variant summary: MCCC2 c.1430A>G (p.Gln477Arg) results in a conservative amino acid change located in the Acetyl-coenzyme A carboxyltransferase, C-terminal domain (IPR011763) of the encoded protein sequence. Four of five in-silico tools predict a damaging effect of the variant on protein function. The frequency data for this variant in gnomAD is considered unreliable, as metrics indicate poor data quality at this position. c.1430A>G has been reported in the literature in the homozygous state in at least 1 individual affected with Methylcrotonyl-CoA Carboxylase Deficiency (example, Nguyen_2011). These data indicate that the variant may be associated with disease. At least one publication reports experimental evidence evaluating an impact on protein function. The most pronounced variant effect results in <10% of normal activity in patient cells (example, Nguyen_2011). The following publication has been ascertained in the context of this evaluation (PMID: 21071250). ClinVar contains an entry for this variant (Variation ID: 1521071). Based on the evidence outlined above, the variant was classified as likely pathogenic.

Labcorp Genetics (formerly Invitae), Labcorp
Classification: Likely pathogenic for 3-methylcrotonyl-CoA carboxylase 2 deficiency. Last evaluated: 2020-12-18. Review status: criteria provided, single submitter. Criteria: Invitae Variant Classification Sherloc (09022015). Collection method: clinical testing. Allele origin: germline.
Comment: In summary, the currently available evidence indicates that the variant is pathogenic, but additional data are needed to prove that conclusively. Therefore, this variant has been classified as Likely Pathogenic. This sequence change replaces glutamine with arginine at codon 477 of the MCCC2 protein (p.Gln477Arg). The glutamine residue is highly conserved and there is a small physicochemical difference between glutamine and arginine. This variant is present in population databases (rs769558016, ExAC 0.01%). This variant has been observed in individual(s) with 3 methylcrotonyl-CoA carboxylase deficiency (PMID: 21071250). Advanced modeling of protein sequence and biophysical properties (such as structural, functional, and spatial information, amino acid conservation, physicochemical variation, residue mobility, and thermodynamic stability) performed at Invitae indicates that this missense variant is expected to disrupt MCCC2 protein function.

Literature cited by the submitters: PubMed 21071250 (cited by 3 submitters).